The following is an entry in ClinVar:

NM_000553.6(WRN):c.2488_2498del (p.Lys830fs)

Gene: WRN (WRN RecQ like helicase; plus strand). Cytogenetic location: 8p12.
Variant type: Deletion.
Coding change: c.2488_2498del on transcript NM_000553.6 (MANE Select); coding-DNA positions 2488 to 2498, 11 bases deleted (AAAGCTGACAT).
Protein change: p.Lys830fs; shifts the reading frame from lysine 830.
Molecular consequence: frameshift variant.
Genome position (GRCh38, 1-based): chr8:31,120,282-31,120,292, AAAGCTGACAT deleted; deleting any 11 consecutive bases within chr8:31,120,280-31,120,292 gives the same sequence; the c. name uses the placement nearest the transcript's 3' end. VCF-style (leftmost placement, unchanged base first): chr8-31120279-AATAAAGCTGAC-A. GRCh37 (hg19) VCF-style: chr8-30977795-AATAAAGCTGAC-A.
Other names: short protein forms K830fs.
Identifiers: ClinVar variation 2858092 (VCV002858092.3), dbSNP rs2535986332, ClinGen allele CA2739278390.

ClinVar aggregate classification (germline): Pathogenic (1 of 4 stars; one submission).

Conditions:
Werner syndrome (WRN). Identifiers: Orphanet 902, MedGen C0043119, MONDO:0010196, OMIM 277700.

Submission:

Labcorp Genetics (formerly Invitae), Labcorp
Classification: Pathogenic for Werner syndrome. Last evaluated: 2023-04-22. Review status: criteria provided, single submitter. Criteria: Invitae Variant Classification Sherloc (09022015). Collection method: clinical testing. Allele origin: germline.
Comment: For these reasons, this variant has been classified as Pathogenic. RNA analysis performed to evaluate the impact of this premature translational stop signal on mRNA splicing indicates it does not significantly alter splicing (Invitae). This variant has not been reported in the literature in individuals affected with WRN-related conditions. This variant is not present in population databases (gnomAD no frequency). This sequence change creates a premature translational stop signal (p.Lys830Serfs*10) in the WRN gene. It is expected to result in an absent or disrupted protein product. Loss-of-function variants in WRN are known to be pathogenic (PMID: 16673358).

Literature cited by the submitters: PubMed 16673358.